The following is an entry in ClinVar:

NM_003865.3(HESX1):c.-7C>A

Gene: HESX1 (HESX homeobox 1; minus strand). Cytogenetic location: 3p14.3.
Variant type: single nucleotide variant.
Coding change: c.-7C>A on transcript NM_003865.3 (MANE Select); 7 bases upstream of the start codon, C replaced by A.
Molecular consequence: 5 prime UTR variant.
Genome position (GRCh38, 1-based): chr3:57,199,925, G>T on the plus strand (C>A on the coding strand, the complement: HESX1 is on the minus strand). VCF-style: chr3-57199925-G-T. GRCh37 (hg19) VCF-style: chr3-57233953-G-T.
Other names: c.-7C>A (NM_001376058.1, NM_001376059.1, NM_001376060.1 and 2 more transcripts).
Identifiers: ClinVar variation 2682450 (VCV002682450.4), dbSNP rs528919258, ClinGen allele CA2463350.

ClinVar aggregate classification (germline): Uncertain significance. Review status: criteria provided, single submitter (1 of 4 stars). 2 submissions from 2 submitters: Uncertain significance (1). 1 of the submissions does not count toward it. Last evaluated 2025-02-10.

Conditions:
HESX1-related disorder. Also called: HESX1-related condition.

gnomAD v4.1: 81 of 1,613,374 alleles (0.005%); highest among the groups gnomAD compares: Admixed American, 0.13%; no homozygotes.

Submissions (2):

Women's Health and Genetics/Laboratory Corporation of America, LabCorp
Classification: Uncertain significance. Last evaluated: 2025-02-10. Review status: criteria provided, single submitter. Criteria: LabCorp Variant Classification Summary - May 2015. Collection method: clinical testing. Allele origin: germline.
Comment: Variant summary: HESX1 c.-7C>A is located in the untranslated mRNA region upstream of the initiation codon. The variant allele was found at a frequency of 0.00024 in 251454 control chromosomes, predominantly at a frequency of 0.0017 within the Latino subpopulation in the gnomAD database. This frequency is not significantly higher than estimated for a pathogenic variant in HESX1 causing HESX1-Related Disorders, allowing no conclusion about variant significance. To our knowledge, no occurrence of c.-7C>A in individuals affected with HESX1-Related Disorders and no experimental evidence demonstrating its impact on protein function have been reported. ClinVar contains an entry for this variant (Variation ID: 2682450). Based on the evidence outlined above, the variant was classified as uncertain significance.

PreventionGenetics, part of Exact Sciences
Classification: Likely benign for HESX1-related condition. Last evaluated: 2023-12-21. Review status: no assertion criteria provided. Collection method: clinical testing. Allele origin: germline. Not counted in ClinVar's aggregate classification.
Comment: This variant is classified as likely benign based on ACMG/AMP sequence variant interpretation guidelines (Richards et al. 2015 PMID: 25741868, with internal and published modifications).